The following is an entry in ClinVar:

NM_001166108.2(PALLD):c.453C>A (p.Asn151Lys)

Gene: PALLD (palladin, cytoskeletal associated protein; plus strand). Cytogenetic location: 4q32.3.
Variant type: single nucleotide variant.
Coding change: c.453C>A on transcript NM_001166108.2 (MANE Select); coding-DNA position 453, C replaced by A.
Protein change: p.Asn151Lys; replaces asparagine 151 with lysine.
Molecular consequence: missense variant.
Genome position (GRCh38, 1-based): chr4:168,511,957, C>A. VCF-style: chr4-168511957-C-A. GRCh37 (hg19) VCF-style: chr4-169433108-C-A.
Other names: c.453C>A, p.Asn151Lys (NM_016081.4); short protein forms N151K.
Identifiers: ClinVar variation 2448476 (VCV002448476.2), dbSNP rs143682790, ClinGen allele CA358726057.

ClinVar aggregate classification (germline): Uncertain significance (1 of 4 stars; one submission).

Submission:

Ambry Genetics
Classification: Uncertain significance. Last evaluated: 2023-01-14. Review status: criteria provided, single submitter. Criteria: Ambry Variant Classification Scheme 2023. Collection method: clinical testing. Allele origin: germline.
Comment: The p.N151K variant (also known as c.453C>A), located in coding exon 1 of the PALLD gene, results from a C to A substitution at nucleotide position 453. The asparagine at codon 151 is replaced by lysine, an amino acid with similar properties. This amino acid position is conserved. In addition, this alteration is predicted to be tolerated by in silico analysis. Since supporting evidence is limited at this time, the clinical significance of this alteration remains unclear.